The following is an entry in ClinVar:

ClinVar aggregate classification (germline): Benign. Review status: criteria provided, multiple submitters, no conflicts (2 of 4 stars). 2 submissions from 2 submitters: Benign (2). Last evaluated 2018-01-13.

Conditions:
Growth delay due to insulin-like growth factor I resistance. Also called: Somatomedin end-organ insensitivity to; Somatomedin-c resistance to; IGF-1 resistance; IGF-I RESISTANCE; Insulin-Like Growth Factor I Resistance. Identifiers: Orphanet 73273, MedGen C1849157, MONDO:0010038, OMIM 270450.

Allele frequency attached by ClinVar (database versions not stated): TOPMed 0.02904; gnomAD 0.03057 and 0.03172; 1000 Genomes Project 30x 0.03342; 1000 Genomes Project 0.03614; gnomAD exomes 0.04019.
gnomAD v4.1: 7,973 of 232,596 alleles (3.4%); highest among the groups gnomAD compares: East Asian, 7.9%; 177 homozygotes.

Submissions (2):

Illumina Laboratory Services, Illumina
Classification: Benign for Growth delay due to insulin-like growth factor I resistance. Last evaluated: 2018-01-13. Review status: criteria provided, single submitter. Criteria: ICSL Variant Classification Criteria 13 December 2019. Collection method: clinical testing. Allele origin: germline.
Comment: This variant was observed in the ICSL laboratory as part of a predisposition screen in an ostensibly healthy population. It had not been previously curated by ICSL or reported in the Human Gene Mutation Database (HGMD: prior to June 1st, 2018), and was therefore a candidate for classification through an automated scoring system. Utilizing variant allele frequency, disease prevalence and penetrance estimates, and inheritance mode, an automated score was calculated to assess if this variant is too frequent to cause the disease. Based on the score and internal cut-off values, a variant classified as benign is not then subjected to further curation. The score for this variant resulted in a classification of benign for this disease.

Breakthrough Genomics
Classification: Benign. Review status: criteria provided, single submitter. Criteria: ACMG Guidelines, 2015. Collection method: not provided. Allele origin: germline. Inheritance: Autosomal dominant inheritance. Affected: yes.

NM_000875.5(IGF1R):c.*1087A>G

Gene: IGF1R (insulin like growth factor 1 receptor; plus strand). Cytogenetic location: 15q26.3.
Variant type: single nucleotide variant.
Coding change: c.*1087A>G on transcript NM_000875.5 (MANE Select); 1087 bases downstream of the stop codon, A replaced by G.
Molecular consequence: 3 prime UTR variant.
Genome position (GRCh38, 1-based): chr15:98,958,529, A>G. VCF-style: chr15-98958529-A-G. GRCh37 (hg19) VCF-style: chr15-99501758-A-G.
Other names: c.*1087A>G (NM_001291858.2).
Identifiers: ClinVar variation 317495 (VCV000317495.6), dbSNP rs2016873, ClinGen allele CA10636732.